The following is an entry in ClinVar:

NM_000551.4(VHL):c.340+788C>G

Genes: VHL (von Hippel-Lindau tumor suppressor; plus strand), LOC107303340 (3p25 von Hippel-Lindau tumor suppressor, E3 ubiquitin protein ligase Alu-mediated recombination region; plus strand). Cytogenetic location: 3p25.3.
Variant type: single nucleotide variant.
Coding change: c.340+788C>G on transcript NM_000551.4 (MANE Select); 788 bases into the intron after coding-DNA position 340, C replaced by G.
Molecular consequence: intron variant. On other transcripts: missense variant (1).
Genome position (GRCh38, 1-based): chr3:10,142,975, C>G. VCF-style: chr3-10142975-C-G. GRCh37 (hg19) VCF-style: chr3-10184659-C-G.
Other names: c.553C>G, p.Pro185Ala (NM_001354723.2); c.340+788C>G (NM_198156.3); short protein forms P185A.
Identifiers: ClinVar variation 857169 (VCV000857169.10), dbSNP rs1282958900, ClinGen allele CA896160299.

ClinVar aggregate classification (germline): Uncertain significance (1 of 4 stars; one submission).

Conditions:
Chuvash polycythemia. Also called: POLYCYTHEMIA, VHL-DEPENDENT. Identifiers: Orphanet 238557, MedGen C1837915, MONDO:0009892, OMIM 263400.
Von Hippel-Lindau syndrome (VHLS). Also called: VHL syndrome; von Hippel–Lindau syndrome; Von Hippel-Lindau. Identifiers: Orphanet 892, MedGen C0019562, MONDO:0008667, OMIM 193300. Disease mechanism: loss of function.

Allele frequency attached by ClinVar (database versions not stated): TOPMed 0.00001.

Submission:

Labcorp Genetics (formerly Invitae), Labcorp
Classification: Uncertain significance for Von Hippel-Lindau syndrome; Chuvash polycythemia. Last evaluated: 2025-08-27. Review status: criteria provided, single submitter. Criteria: Invitae Variant Classification Sherloc (09022015). Collection method: clinical testing. Allele origin: germline.
Comment: This sequence change falls in intron 1 of the VHL gene. It is not expected to change the encoded amino acid sequence of the VHL protein. However, this sequence change falls within a cryptic exon in the VHL gene, known as exon E1’, which is naturally expressed at low levels in several human tissues (PMID: 29891534). This variant is not present in population databases (gnomAD no frequency). This variant has not been reported in the literature in individuals affected with VHL-related conditions. ClinVar contains an entry for this variant (Variation ID: 857169). Studies have shown that this variant is associated with inconclusive levels of altered splicing (internal data). In summary, the available evidence is currently insufficient to determine the role of this variant in disease. Therefore, it has been classified as a Variant of Uncertain Significance.

Literature cited by the submitters: PubMed 29891534.